The following is an entry in ClinVar:

NM_001042616.3(PIGY):c.162T>C (p.Tyr54=)

Genes: PIGY (phosphatidylinositol glycan anchor biosynthesis class Y; minus strand), PYURF (PIGY upstream open reading frame; minus strand). Cytogenetic location: 4q22.1.
Variant type: single nucleotide variant.
Coding change: c.162T>C on transcript NM_001042616.3 (MANE Select); coding-DNA position 162, T replaced by C.
Protein change: p.Tyr54=; no amino-acid change (tyrosine 54 retained).
Molecular consequence: synonymous variant. On other transcripts: 3 prime UTR variant (1).
Genome position (GRCh38, 1-based): chr4:88,521,628, A>G on the plus strand (T>C on the coding strand, the complement: PIGY is on the minus strand). VCF-style: chr4-88521628-A-G. GRCh37 (hg19) VCF-style: chr4-89442779-A-G.
Other names: c.*260T>C (NM_032906.5).
Identifiers: ClinVar variation 2654941 (VCV002654941.27), dbSNP rs771281068, ClinGen allele CA3007113.

ClinVar aggregate classification (germline): Likely benign. Review status: criteria provided, multiple submitters, no conflicts (2 of 4 stars). 2 submissions from 2 submitters: Likely benign (2). Last evaluated 2025-10-04.

Allele frequency attached by ClinVar (database versions not stated): gnomAD 0.00002; TOPMed 0.00002; gnomAD exomes 0.00004; ExAC 0.00005.
gnomAD v4.1: 73 of 1,613,894 alleles (0.0045%); highest among the groups gnomAD compares: Non-Finnish European, 0.0053%; 1 homozygote.

Submissions (2):

Labcorp Genetics (formerly Invitae), Labcorp
Classification: Likely benign. Last evaluated: 2025-10-04. Review status: criteria provided, single submitter. Criteria: Invitae Variant Classification Sherloc (09022015). Collection method: clinical testing. Allele origin: germline.

CeGaT Center for Human Genetics Tuebingen
Classification: Likely benign. Last evaluated: 2025-07-01. Review status: criteria provided, single submitter. Criteria: CeGaT Center For Human Genetics Tuebingen Variant Classification Criteria Version 2. Collection method: clinical testing. Allele origin: germline. Affected: yes. Observed: 6 variant alleles.
Comment: PIGY: BP4, BP7